The following is an entry in ClinVar:

ClinVar aggregate classification (germline): Uncertain significance. Review status: criteria provided, multiple submitters, no conflicts (2 of 4 stars). 3 submissions from 3 submitters: Uncertain significance (3). Last evaluated 2025-07-01.

Conditions:
Inborn genetic diseases. Identifiers: MedGen C0950123, MeSH D030342.

Allele frequency attached by ClinVar (database versions not stated): gnomAD exomes below 0.00001 and 0.00001; gnomAD 0.00001; TOPMed 0.00002.

Submissions (3):

Ambry Genetics
Classification: Uncertain significance for Inborn genetic diseases. Last evaluated: 2025-07-01. Review status: criteria provided, single submitter. Criteria: Ambry Variant Classification Scheme 2023. Collection method: clinical testing. Allele origin: germline.

Blueprint Genetics
Classification: Uncertain significance. Last evaluated: 2024-09-02. Review status: criteria provided, single submitter. Criteria: ACMG Guidelines, 2015. Collection method: clinical testing. Allele origin: germline.

Labcorp Genetics (formerly Invitae), Labcorp
Classification: Uncertain significance. Last evaluated: 2023-11-13. Review status: criteria provided, single submitter. Criteria: Invitae Variant Classification Sherloc (09022015). Collection method: clinical testing. Allele origin: germline.
Comment: This sequence change replaces glycine, which is neutral and non-polar, with serine, which is neutral and polar, at codon 1768 of the GPR179 protein (p.Gly1768Ser). This variant is not present in population databases (gnomAD no frequency). This variant has not been reported in the literature in individuals affected with GPR179-related conditions. ClinVar contains an entry for this variant (Variation ID: 1524149). Algorithms developed to predict the effect of missense changes on protein structure and function output the following: SIFT: "Not Available"; PolyPhen-2: "Benign"; Align-GVGD: "Not Available". The serine amino acid residue is found in multiple mammalian species, which suggests that this missense change does not adversely affect protein function. In summary, the available evidence is currently insufficient to determine the role of this variant in disease. Therefore, it has been classified as a Variant of Uncertain Significance.

NM_001004334.4(GPR179):c.5302G>A (p.Gly1768Ser)

Gene: GPR179 (G protein-coupled receptor 179; minus strand). Cytogenetic location: 17q12.
Variant type: single nucleotide variant.
Coding change: c.5302G>A on transcript NM_001004334.4 (MANE Select); coding-DNA position 5302, G replaced by A.
Protein change: p.Gly1768Ser; replaces glycine 1768 with serine.
Molecular consequence: missense variant.
Genome position (GRCh38, 1-based): chr17:38,328,267, C>T on the plus strand (G>A on the coding strand, the complement: GPR179 is on the minus strand). VCF-style: chr17-38328267-C-T. GRCh37 (hg19) VCF-style: chr17-36484150-C-T.
Other names: c.5302G>A (NM_001004334.2); short protein forms G1768S.
Identifiers: ClinVar variation 1524149 (VCV001524149.7), dbSNP rs1274811789, ClinGen allele CA398872524.